The following is an entry in ClinVar:

NM_002471.4(MYH6):c.732C>T (p.Arg244=)

Gene: MYH6 (myosin heavy chain 6; minus strand). Cytogenetic location: 14q11.2.
Variant type: single nucleotide variant.
Coding change: c.732C>T on transcript NM_002471.4 (MANE Select); coding-DNA position 732, C replaced by T.
Protein change: p.Arg244=; no amino-acid change (arginine 244 retained).
Molecular consequence: synonymous variant.
Genome position (GRCh38, 1-based): chr14:23,404,299, G>A on the plus strand (C>T on the coding strand, the complement: MYH6 is on the minus strand). VCF-style: chr14-23404299-G-A. GRCh37 (hg19) VCF-style: chr14-23873508-G-A.
Identifiers: ClinVar variation 44543 (VCV000044543.14), dbSNP rs397516779, ClinGen allele CA134492.

ClinVar aggregate classification (germline): Likely benign. Review status: criteria provided, multiple submitters, no conflicts (2 of 4 stars). 3 submissions from 3 submitters: Likely benign (3). Last evaluated 2025-08-24.

Conditions:
Cardiovascular phenotype. Identifiers: MedGen CN230736.
Hypertrophic cardiomyopathy 14. Identifiers: MedGen C2750467, MONDO:0013197, OMIM 613251.

Allele frequency attached by ClinVar (database versions not stated): TOPMed 0.00001; ExAC 0.00003.
gnomAD v4.1: 33 of 1,614,260 alleles (0.002%); highest among the groups gnomAD compares: Admixed American, 0.0033%; 1 homozygote.

Submissions (3):

Labcorp Genetics (formerly Invitae), Labcorp
Classification: Likely benign for Hypertrophic cardiomyopathy 14. Last evaluated: 2025-08-24. Review status: criteria provided, single submitter. Criteria: Invitae Variant Classification Sherloc (09022015). Collection method: clinical testing. Allele origin: germline.

Ambry Genetics
Classification: Likely benign for Cardiovascular phenotype. Last evaluated: 2019-12-04. Review status: criteria provided, single submitter. Criteria: Ambry Variant Classification Scheme 2023. Collection method: clinical testing. Allele origin: germline.

Laboratory for Molecular Medicine, Mass General Brigham Personalized Medicine
Classification: Likely benign. Last evaluated: 2011-12-01. Review status: criteria provided, single submitter. Criteria: LMM Criteria. Collection method: clinical testing. Allele origin: germline. Observed: 1 variant allele.
Comment: Arg244Arg in exon 8 of MYH7: This variant is not expected to have clinical signi ficance because it does not alter an amino acid residue and is not located withi n the splice consensus sequence. Arg244Arg in exon 8 of MYH7 (allele frequency = n/a)